The following is an entry in ClinVar:

NM_000255.4(MMUT):c.-39-5del

Gene: MMUT (methylmalonyl-CoA mutase; minus strand). Cytogenetic location: 6p12.3.
Variant type: Deletion.
Coding change: c.-39-5del on transcript NM_000255.4 (MANE Select); 5 bases into the intron before 39 bases upstream of the start codon, one base deleted (T; older notation c.-39-5delT).
Molecular consequence: intron variant.
Genome position (GRCh38, 1-based): chr6:49,459,510, A deleted on the plus strand (T on the coding strand, the reverse complement: MMUT is on the minus strand); the first of 5 consecutive A bases (chr6:49,459,510-49,459,514); deleting any one gives the same sequence. VCF-style (leftmost placement, unchanged base first): chr6-49459509-GA-G. GRCh37 (hg19) VCF-style: chr6-49427222-GA-G.
Other names: KC594087.1.
Identifiers: ClinVar variation 100692 (VCV000100692.2), dbSNP rs483352800, ClinGen allele CA235505.

ClinVar aggregate classification (germline): not provided (0 of 4 stars; one submission).

Submission:

Medical Genetics Unit, Ain Shams University Pediatrics Hospital
No classification provided. Review status: no classification provided. Collection method: not provided. Allele origin: unknown.
Comment: Methylmalonic aciduria